The following is an entry in ClinVar:

ClinVar aggregate classification (germline): Uncertain significance (1 of 4 stars; one submission).

Conditions:
Rhabdoid tumor predisposition syndrome 2 (RTPS2). Identifiers: Orphanet 231108, Orphanet 69077, MedGen C2750074, MONDO:0013224, OMIM 613325.

Submission:

Labcorp Genetics (formerly Invitae), Labcorp
Classification: Uncertain significance for Rhabdoid tumor predisposition syndrome 2. Last evaluated: 2021-11-30. Review status: criteria provided, single submitter. Criteria: Invitae Variant Classification Sherloc (09022015). Collection method: clinical testing. Allele origin: germline.
Comment: This variant is not present in population databases (gnomAD no frequency). In summary, the available evidence is currently insufficient to determine the role of this variant in disease. Therefore, it has been classified as a Variant of Uncertain Significance. Algorithms developed to predict the effect of missense changes on protein structure and function (SIFT, PolyPhen-2, Align-GVGD) all suggest that this variant is likely to be disruptive. This variant has not been reported in the literature in individuals affected with SMARCA4-related conditions. This sequence change replaces glycine, which is neutral and non-polar, with cysteine, which is neutral and slightly polar, at codon 495 of the SMARCA4 protein (p.Gly495Cys).

NM_003072.5(SMARCA4):c.1483G>T (p.Gly495Cys)

Gene: SMARCA4 (SWI/SNF related BAF chromatin remodeling complex subunit ATPase 4; plus strand). Cytogenetic location: 19p13.2.
Variant type: single nucleotide variant.
Coding change: c.1483G>T on transcript NM_003072.5 (MANE Select); coding-DNA position 1483, G replaced by T.
Protein change: p.Gly495Cys; replaces glycine 495 with cysteine.
Molecular consequence: missense variant. On other transcripts: non-coding transcript variant (1).
Genome position (GRCh38, 1-based): chr19:10,994,891, G>T. VCF-style: chr19-10994891-G-T. GRCh37 (hg19) VCF-style: chr19-11105567-G-T.
Other names: c.1483G>T, p.Gly495Cys (NM_001128844.3, NM_001128845.2, NM_001128846.2 and 5 more transcripts); short protein forms G495C.
Identifiers: ClinVar variation 1411333 (VCV001411333.6), dbSNP rs1060502093, ClinGen allele CA404062086.